The following is an entry in ClinVar:

NM_020987.5(ANK3):c.11927C>A (p.Thr3976Asn)

Gene: ANK3 (ankyrin 3; minus strand). Cytogenetic location: 10q21.2.
Variant type: single nucleotide variant.
Coding change: c.11927C>A on transcript NM_020987.5 (MANE Select); coding-DNA position 11927, C replaced by A.
Protein change: p.Thr3976Asn; replaces threonine 3976 with asparagine.
Molecular consequence: missense variant. On other transcripts: intron variant (4).
Genome position (GRCh38, 1-based): chr10:60,068,954, G>T on the plus strand (C>A on the coding strand, the complement: ANK3 is on the minus strand). VCF-style: chr10-60068954-G-T. GRCh37 (hg19) VCF-style: chr10-61828712-G-T.
Other names: c.4388-945C>A (NM_001204403.2); c.4409-945C>A (NM_001204404.2); c.4406-945C>A (NM_001320874.2); c.1808-945C>A (NM_001149.4); short protein forms T3976N.
Identifiers: ClinVar variation 383138 (VCV000383138.2), dbSNP rs765969303, ClinGen allele CA16605880.

ClinVar aggregate classification (germline): Uncertain significance (1 of 4 stars; one submission).

Submission:

GeneDx
Classification: Uncertain significance. Last evaluated: 2016-01-28. Review status: criteria provided, single submitter. Criteria: GeneDx Variant Classification (06012015). Collection method: clinical testing. Allele origin: germline. Affected: yes.
Comment: The T3976N variant in the ANK3 gene has not been reported previously as a pathogenic variant, nor as a benign variant, to our knowledge. The T3976N variant was not observed in approximately 6500 individuals of European and African American ancestry in the NHLBI Exome Sequencing Project, indicating it is not a common benign variant in these populations. The T3976N variant is a conservative amino acid substitution, which occurs at a position that is not conserved. In silico analysis is inconsistent in its predictions as to whether or not the variant is damaging to the protein structure/function. We interpret T3976N as a variant of uncertain significance.